The following is an entry in ClinVar:

NM_005876.5(SPEG):c.6695C>A (p.Pro2232His)

Genes: ASIC4-AS1 (ASIC4 antisense RNA 1; minus strand), SPEG (striated muscle enriched protein kinase; plus strand). Cytogenetic location: 2q35.
Variant type: single nucleotide variant.
Coding change: c.6695C>A on transcript NM_005876.5 (MANE Select); coding-DNA position 6695, C replaced by A.
Protein change: p.Pro2232His; replaces proline 2232 with histidine.
Molecular consequence: missense variant.
Genome position (GRCh38, 1-based): chr2:219,484,158, C>A. VCF-style: chr2-219484158-C-A. GRCh37 (hg19) VCF-style: chr2-220348880-C-A.
Other names: short protein forms P2232H.
Identifiers: ClinVar variation 733636 (VCV000733636.13), dbSNP rs201950092, ClinGen allele CA2127089.

ClinVar aggregate classification (germline): Benign/Likely benign. Review status: criteria provided, multiple submitters, no conflicts (2 of 4 stars). 4 submissions from 4 submitters: Benign (2); Likely benign (1). 1 of the submissions does not count toward it. Last evaluated 2026-01-12.

Conditions:
SPEG-related disorder. Also called: SPEG-related condition.

Allele frequency attached by ClinVar (database versions not stated): ESP Exome Variant Server 0.00148; TOPMed 0.00225; 1000 Genomes Project 0.00280; 1000 Genomes Project 30x 0.00328.
gnomAD v4.1: 613 of 1,613,708 alleles (0.038%); highest among the groups gnomAD compares: African/African-American, 0.73%; 2 homozygotes.

Submissions (4):

Labcorp Genetics (formerly Invitae), Labcorp
Classification: Benign. Last evaluated: 2026-01-12. Review status: criteria provided, single submitter. Criteria: Invitae Variant Classification Sherloc (09022015). Collection method: clinical testing. Allele origin: germline.

Blueprint Genetics
Classification: Likely benign. Last evaluated: 2024-09-18. Review status: criteria provided, single submitter. Criteria: ACMG Guidelines, 2015. Collection method: clinical testing. Allele origin: germline.

Breakthrough Genomics
Classification: Benign. Review status: criteria provided, single submitter. Criteria: ACMG Guidelines, 2015. Collection method: not provided. Allele origin: germline. Inheritance: Autosomal recessive inheritance. Affected: yes.

PreventionGenetics, part of Exact Sciences
Classification: Likely benign for SPEG-related condition. Last evaluated: 2020-05-26. Review status: no assertion criteria provided. Collection method: clinical testing. Allele origin: germline. Not counted in ClinVar's aggregate classification.
Comment: This variant is classified as likely benign based on ACMG/AMP sequence variant interpretation guidelines (Richards et al. 2015 PMID: 25741868, with internal and published modifications).